The following is an entry in ClinVar:

ClinVar aggregate classification (germline): Uncertain significance. Review status: criteria provided, multiple submitters, no conflicts (2 of 4 stars). 2 submissions from 2 submitters: Uncertain significance (2). Last evaluated 2026-01-26.

Submissions (2):

Labcorp Genetics (formerly Invitae), Labcorp
Classification: Uncertain significance. Last evaluated: 2026-01-26. Review status: criteria provided, single submitter. Criteria: Invitae Variant Classification Sherloc (09022015). Collection method: clinical testing. Allele origin: germline.
Comment: This sequence change replaces tryptophan, which is neutral and slightly polar, with phenylalanine, which is neutral and non-polar, at codon 2650 of the NSD1 protein (p.Trp2650Phe). This variant is present in population databases (no rsID available, gnomAD 0.0004%). This variant has not been reported in the literature in individuals affected with NSD1-related conditions. ClinVar contains an entry for this variant (Variation ID: 1305960). An algorithm developed to predict the effect of missense changes on protein structure and function (PolyPhen-2) suggests that this variant is likely to be disruptive. In summary, the available evidence is currently insufficient to determine the role of this variant in disease. Therefore, it has been classified as a Variant of Uncertain Significance.

GeneDx
Classification: Uncertain significance. Last evaluated: 2019-05-20. Review status: criteria provided, single submitter. Criteria: GeneDx Variant Classification Process June 2021. Collection method: clinical testing. Allele origin: germline. Affected: yes.
Comment: Not observed at a significant frequency in large population cohorts (Lek et al., 2016); In silico analysis, which includes protein predictors and evolutionary conservation, supports that this variant does not alter protein structure/function; Has not been previously published as pathogenic or benign to our knowledge

NM_022455.5(NSD1):c.7949_7950delinsTT (p.Trp2650Phe)

Gene: NSD1 (nuclear receptor binding SET domain protein 1; plus strand). Cytogenetic location: 5q35.3.
Variant type: Indel.
Coding change: c.7949_7950delinsTT on transcript NM_022455.5 (MANE Select); coding-DNA positions 7949 to 7950, GG replaced by TT.
Protein change: p.Trp2650Phe; replaces tryptophan 2650 with phenylalanine.
Molecular consequence: missense variant.
Genome position (GRCh38, 1-based): chr5:177,295,317-177,295,318, GG replaced by TT. VCF-style: chr5-177295317-GG-TT. GRCh37 (hg19) VCF-style: chr5-176722318-GG-TT.
Other names: c.7076_7077delGGinsTT, p.Trp2359Phe (NM_001365684.2, NM_001409308.1, NM_172349.5); c.7949_7950delGGinsTT, p.Trp2650Phe (NM_001409301.1, NM_001409302.1, NM_001409303.1 and 1 more transcripts); c.7529_7530delGGinsTT, p.Trp2510Phe (NM_001409304.1); c.7196_7197delGGinsTT, p.Trp2399Phe (NM_001409305.1); c.7187_7188delGGinsTT, p.Trp2396Phe (NM_001409306.1, NM_001409307.1); c.6827_6828delGGinsTT, p.Trp2276Phe (NM_001409309.1); short protein forms W2381F, W2650F, W2396F, W2276F, W2510F, W2359F, W2399F.
Identifiers: ClinVar variation 1305960 (VCV001305960.4), dbSNP rs2127285025, ClinGen allele CA2573052482.
Genomic context (GRCh38, chr5:177,295,317, plus strand): 5'-CCTCATCACGGGCAGGGCTCTGGCCCATAGTGGCTGGACAGACACTGGCACAGTCTTGCT[GG>TT]TCTGCTGGGAGCACACAGACATTGGCACAGACTTGCTGGTCTCTTGGAAGAGGGCAAGAC-3'
Protein context (NP_071900.2, residues 2640-2660): VAGQTLAQSC[Trp2650Phe]SAGSTQTLAQ